The following is an entry in ClinVar:

NM_000051.4(ATM):c.8224_8225del (p.Asn2742fs)

Genes: ATM (ATM serine/threonine kinase; plus strand), C11orf65 (chromosome 11 open reading frame 65; minus strand). Cytogenetic location: 11q22.3.
Variant type: Deletion.
Coding change: c.8224_8225del on transcript NM_000051.4 (MANE Select); coding-DNA positions 8224 to 8225, 2 bases deleted (AA; older notation c.8224_8225delAA).
Protein change: p.Asn2742fs; shifts the reading frame from asparagine 2742.
Molecular consequence: frameshift variant. On other transcripts: intron variant (2).
Genome position (GRCh38, 1-based): chr11:108,335,917-108,335,918, AA deleted; deleting any 2 consecutive bases within chr11:108,335,916-108,335,918 gives the same sequence; the c. name uses the placement nearest the transcript's 3' end. VCF-style (leftmost placement, unchanged base first): chr11-108335915-GAA-G. GRCh37 (hg19) VCF-style: chr11-108206642-GAA-G.
Other names: c.8224_8225delAA, p.Asn2742Hisfs (NM_000051.3); c.8224_8225del, p.Asn2742fs (NM_001351834.2); c.641-26846_641-26845del (NM_001330368.2); c.695-625_695-624del (NM_001351110.2); short protein forms N2742fs.
Identifiers: ClinVar variation 524334 (VCV000524334.16), dbSNP rs1162534390, ClinGen allele CA601727583.

ClinVar aggregate classification (germline): Pathogenic/Likely pathogenic. Review status: criteria provided, multiple submitters, no conflicts (2 of 4 stars). 4 submissions from 4 submitters: Pathogenic (2); Likely pathogenic (2). Last evaluated 2025-09-04.

Conditions:
Hereditary cancer-predisposing syndrome. Also called: Hereditary Cancer Syndrome; Neoplastic Syndromes, Hereditary; Tumor predisposition; Hereditary neoplastic syndrome. Identifiers: Orphanet 140162, MedGen C0027672, MeSH D009386, MONDO:0015356.
Familial cancer of breast. Also called: BREAST CANCER, FAMILIAL; Hereditary breast cancer; hereditary breast carcinoma. Identifiers: Orphanet 227535, MedGen C0346153, MONDO:0016419, OMIM 114480. Disease mechanism: loss of function.
Ataxia-telangiectasia syndrome (AT). Also called: Cerebello-oculocutaneous telangiectasia; Immunodeficiency with ataxia telangiectasia; Ataxia-telangiectasia, complementation group E; Ataxia-telangiectasia, complementation group D; AT, COMPLEMENTATION GROUP C; ATAXIA-TELANGIECTASIA, COMPLEMENTATION GROUP A. Identifiers: Orphanet 100, MedGen C0004135, MONDO:0008840, OMIM 208900.

Submissions (4):

Labcorp Genetics (formerly Invitae), Labcorp
Classification: Pathogenic for Ataxia-telangiectasia syndrome. Last evaluated: 2025-09-04. Review status: criteria provided, single submitter. Criteria: Invitae Variant Classification Sherloc (09022015). Collection method: clinical testing. Allele origin: germline.
Comment: This sequence change creates a premature translational stop signal (p.Asn2742Hisfs*4) in the ATM gene. It is expected to result in an absent or disrupted protein product. Loss-of-function variants in ATM are known to be pathogenic (PMID: 23807571, 25614872). This variant is present in population databases (no rsID available, gnomAD 0.006%). This variant has not been reported in the literature in individuals affected with ATM-related conditions. ClinVar contains an entry for this variant (Variation ID: 524334). For these reasons, this variant has been classified as Pathogenic.

Ambry Genetics
Classification: Pathogenic for Hereditary cancer-predisposing syndrome. Last evaluated: 2025-06-05. Review status: criteria provided, single submitter. Criteria: Ambry Variant Classification Scheme 2023. Collection method: clinical testing. Allele origin: germline.
Comment: The c.8224_8225delAA pathogenic mutation, located in coding exon 55 of the ATM gene, results from a deletion of two nucleotides at nucleotide positions 8224 to 8225, causing a translational frameshift with a predicted alternate stop codon (p.N2742Hfs*4). This alteration is expected to result in loss of function by premature protein truncation or nonsense-mediated mRNA decay. As such, this alteration is interpreted as a disease-causing mutation.

Quest Diagnostics Nichols Institute San Juan Capistrano
Classification: Likely pathogenic. Last evaluated: 2025-02-18. Review status: criteria provided, single submitter. Criteria: Quest Diagnostics criteria. Collection method: clinical testing. Allele origin: unknown.
Comment: The ATM c.8224_8225del (p.Asn2742Hisfs*4) variant alters the translational reading frame of the ATM mRNA and is predicted to cause the premature termination of ATM protein synthesis. This variant has not been reported in individuals with ATM-related conditions in the published literature. The frequency of this variant in the general population (Genome Aggregation Database) is consistent with pathogenicity. Based on the available information, this variant is classified as likely pathogenic.

Baylor Genetics
Classification: Likely pathogenic for Familial cancer of breast. Last evaluated: 2022-06-18. Review status: criteria provided, single submitter. Criteria: ACMG Guidelines, 2015. Collection method: clinical testing. Allele origin: unknown.

Literature cited by the submitters: PubMed 23807571 (cited by Labcorp Genetics (formerly Invitae), Labcorp); PubMed 25614872 (cited by Labcorp Genetics (formerly Invitae), Labcorp).